The following is an entry in ClinVar:

NM_001082538.3(TCTN1):c.1086T>G (p.Phe362Leu)

Gene: TCTN1 (tectonic family member 1; plus strand). Cytogenetic location: 12q24.11.
Variant type: single nucleotide variant.
Coding change: c.1086T>G on transcript NM_001082538.3 (MANE Select); coding-DNA position 1086, T replaced by G.
Protein change: p.Phe362Leu; replaces phenylalanine 362 with leucine.
Molecular consequence: missense variant. On other transcripts: non-coding transcript variant (1).
Genome position (GRCh38, 1-based): chr12:110,641,131, T>G. VCF-style: chr12-110641131-T-G. GRCh37 (hg19) VCF-style: chr12-111078936-T-G.
Other names: c.1086T>G, p.Phe362Leu (NM_001082537.3, NM_001319680.2); c.918T>G, p.Phe306Leu (NM_001173975.3); c.906T>G, p.Phe302Leu (NM_001173976.2); c.552T>G, p.Phe184Leu (NM_001319681.2); c.1044T>G, p.Phe348Leu (NM_024549.6); short protein forms F184L, F302L, F306L, F348L, F362L.
Identifiers: ClinVar variation 1017189 (VCV001017189.11), dbSNP rs2066921812, ClinGen allele CA386705063.

ClinVar aggregate classification (germline): Uncertain significance. Review status: criteria provided, multiple submitters, no conflicts (2 of 4 stars). 2 submissions from 2 submitters: Uncertain significance (2). Last evaluated 2022-07-25.

Conditions:
Joubert syndrome. Also called: Familial aplasia of the vermis; CEREBELLOPARENCHYMAL DISORDER IV; JOUBERT-BOLTSHAUSER SYNDROME. Identifiers: Orphanet 475, MedGen C5979921, MONDO:0018772.
Meckel-Gruber syndrome. Also called: Dysencephalia splachnocystica; DYSENCEPHALIA SPLANCHNOCYSTICA; GRUBER SYNDROME. Identifiers: Orphanet 564, MedGen C0265215, MONDO:0018921.

Submissions (2):

Labcorp Genetics (formerly Invitae), Labcorp
Classification: Uncertain significance for Joubert syndrome; Meckel-Gruber syndrome. Last evaluated: 2022-07-25. Review status: criteria provided, single submitter. Criteria: Invitae Variant Classification Sherloc (09022015). Collection method: clinical testing. Allele origin: germline.
Comment: This variant has not been reported in the literature in individuals affected with TCTN1-related conditions. This sequence change replaces phenylalanine, which is neutral and non-polar, with leucine, which is neutral and non-polar, at codon 362 of the TCTN1 protein (p.Phe362Leu). This variant is not present in population databases (gnomAD no frequency). ClinVar contains an entry for this variant (Variation ID: 1017189). Algorithms developed to predict the effect of missense changes on protein structure and function are either unavailable or do not agree on the potential impact of this missense change (SIFT: "Deleterious"; PolyPhen-2: "Probably Damaging"; Align-GVGD: "Class C15"). In summary, the available evidence is currently insufficient to determine the role of this variant in disease. Therefore, it has been classified as a Variant of Uncertain Significance.

GeneDx
Classification: Uncertain significance. Last evaluated: 2019-04-25. Review status: criteria provided, single submitter. Criteria: GeneDx Variant Classification Process June 2021. Collection method: clinical testing. Allele origin: germline. Affected: yes.
Comment: Not observed in large population cohorts (Lek et al., 2016); In silico analysis, which includes protein predictors and evolutionary conservation, supports a deleterious effect; Has not been previously published as pathogenic or benign to our knowledge